The following is an entry in ClinVar:

NM_001194.4(HCN2):c.2401G>A (p.Ala801Thr)

Gene: HCN2 (hyperpolarization activated cyclic nucleotide gated potassium and sodium channel 2; plus strand). Cytogenetic location: 19p13.3.
Variant type: single nucleotide variant.
Coding change: c.2401G>A on transcript NM_001194.4 (MANE Select); coding-DNA position 2401, G replaced by A.
Protein change: p.Ala801Thr; replaces alanine 801 with threonine.
Molecular consequence: missense variant.
Genome position (GRCh38, 1-based): chr19:616,205, G>A. VCF-style: chr19-616205-G-A. GRCh37 (hg19) VCF-style: chr19-616205-G-A.
Other names: short protein forms A801T.
Identifiers: ClinVar variation 4821967 (VCV004821967.4).

ClinVar aggregate classification (germline): Uncertain significance (1 of 4 stars; one submission).

gnomAD v4.1: 3 of 973,516 alleles (0.00031%); highest among the groups gnomAD compares: Middle Eastern, 0.1%; 1 homozygote.

Submission:

CeGaT Center for Human Genetics Tuebingen
Classification: Uncertain significance. Last evaluated: 2026-02-01. Review status: criteria provided, single submitter. Criteria: CeGaT Center For Human Genetics Tuebingen Variant Classification Criteria Version 2. Collection method: clinical testing. Allele origin: germline. Affected: yes. Observed: 1 variant allele.
Comment: HCN2: PM2